The following is an entry in ClinVar:

ClinVar aggregate classification (germline): Conflicting classifications of pathogenicity. Review status: criteria provided, conflicting classifications (1 of 4 stars). 3 submissions from 3 submitters: Uncertain significance (1); Likely benign (2). Last evaluated 2024-08-10.

Conditions:
Hereditary cancer-predisposing syndrome. Also called: Tumor predisposition; Neoplastic Syndromes, Hereditary; Hereditary Cancer Syndrome; Hereditary neoplastic syndrome. Identifiers: Orphanet 140162, MedGen C0027672, MeSH D009386, MONDO:0015356.

Submissions (3):

Ambry Genetics
Classification: Likely benign for Hereditary cancer-predisposing syndrome. Last evaluated: 2024-08-10. Review status: criteria provided, single submitter. Criteria: Ambry Variant Classification Scheme 2023. Collection method: clinical testing. Allele origin: germline.

University of Washington Department of Laboratory Medicine, University of Washington
Classification: Likely benign for Hereditary cancer-predisposing syndrome. Last evaluated: 2023-03-23. Review status: criteria provided, single submitter. Criteria: Dines et al. (Genet Med. 2020). Collection method: curation. Allele origin: germline.
Comment: Missense variant in a coldspot region where missense variants are very unlikely to be pathogenic (PMID:31911673).

BRCA2 exon 11 coldspot. Reclassification based on statistical prior probability.

Quest Diagnostics Nichols Institute San Juan Capistrano
Classification: Uncertain significance. Last evaluated: 2018-12-10. Review status: criteria provided, single submitter. Criteria: Quest Diagnostics criteria. Collection method: clinical testing. Allele origin: germline.

Literature cited by the submitters: PubMed 30287823 (cited by Ambry Genetics and Quest Diagnostics Nichols Institute San Juan Capistrano).

NM_000059.4(BRCA2):c.3418A>G (p.Ser1140Gly)

Gene: BRCA2 (BRCA2 DNA repair associated; plus strand). Cytogenetic location: 13q13.1.
Variant type: single nucleotide variant.
Coding change: c.3418A>G on transcript NM_000059.4 (MANE Select); coding-DNA position 3418, A replaced by G.
Protein change: p.Ser1140Gly; replaces serine 1140 with glycine.
Molecular consequence: missense variant.
Genome position (GRCh38, 1-based): chr13:32,337,773, A>G. VCF-style: chr13-32337773-A-G. GRCh37 (hg19) VCF-style: chr13-32911910-A-G.
Other names: short protein forms S1140G.
Identifiers: ClinVar variation 801102 (VCV000801102.6), dbSNP rs1593899487, ClinGen allele CA387776508.